The following is an entry in ClinVar:

NM_000334.4(SCN4A):c.1356G>C (p.Glu452Asp)

Gene: SCN4A (sodium voltage-gated channel alpha subunit 4; minus strand). Cytogenetic location: 17q23.3.
Variant type: single nucleotide variant.
Coding change: c.1356G>C on transcript NM_000334.4 (MANE Select); coding-DNA position 1356, G replaced by C.
Protein change: p.Glu452Asp; replaces glutamic acid 452 with aspartic acid.
Molecular consequence: missense variant.
Genome position (GRCh38, 1-based): chr17:63,964,564, C>G on the plus strand (G>C on the coding strand, the complement: SCN4A is on the minus strand). VCF-style: chr17-63964564-C-G. GRCh37 (hg19) VCF-style: chr17-62041924-C-G.
Other names: short protein forms E452D.
Identifiers: ClinVar variation 324543 (VCV000324543.8), dbSNP rs749394640, ClinGen allele CA8709860.
Genomic context (GRCh38, chr17:63,964,564, plus strand): 5'-AAGCATCTGCTGAAACTCCTCCTCTTTCTCCTTATCCTCGGCCAGGGTGGCCTCATTCTG[C>G]TCGGCATATGCCATGGCCACCACGGCCAGGATCAGATTGATGAGGTAGAAAGAGCCCAGG-3'
Protein context (NP_000325.4, residues 442-462): ILAVVAMAYA[Glu452Asp]QNEATLAEDK

ClinVar aggregate classification (germline): Uncertain significance. Review status: criteria provided, multiple submitters, no conflicts (2 of 4 stars). 7 submissions from 3 submitters: Uncertain significance (7). Last evaluated 2024-08-28.

Conditions:
Inborn genetic diseases. Identifiers: MedGen C0950123, MeSH D030342.
Congenital myasthenic syndrome 16. Identifiers: Orphanet 590, MedGen C3280112, MONDO:0013620, OMIM 614198.
Paramyotonia congenita of Von Eulenburg. Also called: Paramyotonia Congenita; PARALYSIS PERIODICA PARAMYOTONICA; Eulenburg disease; Myotonia congenita intermittens; Von Eulenburg paramyotonia congenita. Identifiers: Orphanet 684, MedGen C0221055, MONDO:0008195, OMIM 168300. Disease mechanism: loss of function.
Hypokalemic periodic paralysis, type 2 (HOKPP2). Identifiers: Orphanet 681, MedGen C2750061, MONDO:0013234, OMIM 613345.
Potassium-aggravated myotonia. Also called: Myotonia congenita, atypical, acetazolamide-responsive; MYOTONIA CONGENITA, ACETAZOLAMIDE-RESPONSIVE; MYOTONIA CONGENITA, ATYPICAL; SODIUM CHANNEL MUSCLE DISEASE. Identifiers: Orphanet 612, Orphanet 99734, Orphanet 99735, Orphanet 99736, MedGen C2931826, MONDO:0018959, OMIM 608390.
Hyperkalemic periodic paralysis. Also called: Familial hyperkalemic periodic paralysis; Gamstorp disease. Identifiers: Orphanet 682, MedGen C0238357, MONDO:0008224, OMIM 170500, HP:0007215.

Allele frequency attached by ClinVar (database versions not stated): gnomAD exomes 0.00001 and below 0.00001; TOPMed below 0.00001; ExAC 0.00001.
gnomAD v4.1: 5 of 1,614,050 alleles (0.00031%); highest among the groups gnomAD compares: Non-Finnish European, 0.00042%; no homozygotes.

Submissions (7):

Labcorp Genetics (formerly Invitae), Labcorp
Classification: Uncertain significance for Hyperkalemic periodic paralysis. Last evaluated: 2024-08-28. Review status: criteria provided, single submitter. Criteria: Invitae Variant Classification Sherloc (09022015). Collection method: clinical testing. Allele origin: germline.
Comment: This sequence change replaces glutamic acid, which is acidic and polar, with aspartic acid, which is acidic and polar, at codon 452 of the SCN4A protein (p.Glu452Asp). This variant is present in population databases (rs749394640, gnomAD 0.0009%). This variant has not been reported in the literature in individuals affected with SCN4A-related conditions. ClinVar contains an entry for this variant (Variation ID: 324543). Invitae Evidence Modeling of protein sequence and biophysical properties (such as structural, functional, and spatial information, amino acid conservation, physicochemical variation, residue mobility, and thermodynamic stability) indicates that this missense variant is not expected to disrupt SCN4A protein function with a negative predictive value of 80%. In summary, the available evidence is currently insufficient to determine the role of this variant in disease. Therefore, it has been classified as a Variant of Uncertain Significance.

Ambry Genetics
Classification: Uncertain significance for Inborn genetic diseases. Last evaluated: 2023-11-07. Review status: criteria provided, single submitter. Criteria: Ambry Variant Classification Scheme 2023. Collection method: clinical testing. Allele origin: germline.

Illumina Laboratory Services, Illumina
Classification: Uncertain significance for Hyperkalemic periodic paralysis. Last evaluated: 2018-01-13. Review status: criteria provided, single submitter. Criteria: ICSL Variant Classification Criteria 13 December 2019. Collection method: clinical testing. Allele origin: germline.

Illumina Laboratory Services, Illumina
Classification: Uncertain significance for Hypokalemic periodic paralysis, type 2. Last evaluated: 2018-01-13. Review status: criteria provided, single submitter. Criteria: ICSL Variant Classification Criteria 13 December 2019. Collection method: clinical testing. Allele origin: germline.

Illumina Laboratory Services, Illumina
Classification: Uncertain significance for Potassium-aggravated myotonia. Last evaluated: 2018-01-13. Review status: criteria provided, single submitter. Criteria: ICSL Variant Classification Criteria 13 December 2019. Collection method: clinical testing. Allele origin: germline.

Illumina Laboratory Services, Illumina
Classification: Uncertain significance for Paramyotonia congenita of Von Eulenburg. Last evaluated: 2018-01-13. Review status: criteria provided, single submitter. Criteria: ICSL Variant Classification Criteria 13 December 2019. Collection method: clinical testing. Allele origin: germline.

Illumina Laboratory Services, Illumina
Classification: Uncertain significance for Congenital myasthenic syndrome 16. Last evaluated: 2018-01-13. Review status: criteria provided, single submitter. Criteria: ICSL Variant Classification Criteria 13 December 2019. Collection method: clinical testing. Allele origin: germline.